The following is an entry in ClinVar:

NM_001458.5(FLNC):c.4729C>T (p.Gln1577Ter)

Gene: FLNC (filamin C; plus strand). Cytogenetic location: 7q32.1.
Variant type: single nucleotide variant.
Coding change: c.4729C>T on transcript NM_001458.5 (MANE Select); coding-DNA position 4729, C replaced by T.
Protein change: p.Gln1577Ter; replaces glutamine 1577 with a stop codon.
Molecular consequence: nonsense.
Genome position (GRCh38, 1-based): chr7:128,848,709, C>T. VCF-style: chr7-128848709-C-T. GRCh37 (hg19) VCF-style: chr7-128488763-C-T.
Other names: c.4729C>T, p.Gln1577Ter (NM_001127487.2); short protein forms Q1577*.
Identifiers: ClinVar variation 645256 (VCV000645256.7), dbSNP rs1585163755, ClinGen allele CA369202821.

ClinVar aggregate classification (germline): Pathogenic (1 of 4 stars; one submission).

Conditions:
Myofibrillar myopathy 5. Also called: Filaminopathy (type); FILAMINOPATHY, AUTOSOMAL DOMINANT. Identifiers: Orphanet 171445, MedGen C1836050, MONDO:0012289, OMIM 609524.
Hypertrophic cardiomyopathy 26. Also called: Cardiomyopathy, familial hypertrophic, 26. Identifiers: Orphanet 75249, MedGen C4310749, MONDO:0014883, OMIM 617047.
Distal myopathy with posterior leg and anterior hand involvement. Also called: WILLIAMS DISTAL MYOPATHY. Identifiers: Orphanet 63273, MedGen C3279722, MONDO:0013550, OMIM 614065.

Submission:

Labcorp Genetics (formerly Invitae), Labcorp
Classification: Pathogenic for Distal myopathy with posterior leg and anterior hand involvement; Myofibrillar myopathy 5; Hypertrophic cardiomyopathy 26. Last evaluated: 2024-08-01. Review status: criteria provided, single submitter. Criteria: Invitae Variant Classification Sherloc (09022015). Collection method: clinical testing. Allele origin: germline.
Comment: This sequence change creates a premature translational stop signal (p.Gln1577*) in the FLNC gene. It is expected to result in an absent or disrupted protein product. Loss-of-function variants in FLNC are known to be pathogenic (PMID: 27908349). This variant is not present in population databases (gnomAD no frequency). This variant has not been reported in the literature in individuals affected with FLNC-related conditions. ClinVar contains an entry for this variant (Variation ID: 645256). For these reasons, this variant has been classified as Pathogenic.

Literature cited by the submitters: PubMed 27908349.